The following is an entry in ClinVar:

NC_000005.9:g.(?_42688972)_(44388784_?)del

Genes: ANXA2R (annexin A2 receptor; minus strand), C5orf34 (chromosome 5 open reading frame 34; minus strand), CCDC152 (coiled-coil domain containing 152; plus strand), CCL28 (C-C motif chemokine ligand 28; minus strand), FGF10 (fibroblast growth factor 10; minus strand) and 7 more. Cytogenetic location: 5p12.
Variant type: Deletion.
Identifiers: ClinVar variation 1458418 (VCV001458418.4).

ClinVar aggregate classification (germline): Pathogenic (1 of 4 stars; one submission).

Submission:

Labcorp Genetics (formerly Invitae), Labcorp
Classification: Pathogenic. Last evaluated: 2021-08-11. Review status: criteria provided, single submitter. Criteria: Invitae Variant Classification Sherloc (09022015). Collection method: clinical testing. Allele origin: germline.
Comment: A gross deletion of the genomic region encompassing the full coding sequence of the FGF10 gene has been identified. Loss-of-function variants in FGF10 are known to be pathogenic (PMID: 15654336, 26955834). The boundaries of this event are unknown as they extend beyond the assayed region for this gene and therefore may encompass additional genes. Isolated whole-gene deletions of FGF10 have not been reported in the literature. However, larger copy number events that include this gene have been reported (PMID: 30639323). For these reasons, this variant has been classified as Pathogenic.

Literature cited by the submitters: PubMed 15654336; PubMed 26955834; PubMed 30639323.